The following is an entry in ClinVar:

NM_017654.4(SAMD9):c.3889G>A (p.Ala1297Thr)

Gene: SAMD9 (sterile alpha motif domain containing 9; minus strand). Cytogenetic location: 7q21.2.
Variant type: single nucleotide variant.
Coding change: c.3889G>A on transcript NM_017654.4 (MANE Select); coding-DNA position 3889, G replaced by A.
Protein change: p.Ala1297Thr; replaces alanine 1297 with threonine.
Molecular consequence: missense variant.
Genome position (GRCh38, 1-based): chr7:93,102,209, C>T on the plus strand (G>A on the coding strand, the complement: SAMD9 is on the minus strand). VCF-style: chr7-93102209-C-T. GRCh37 (hg19) VCF-style: chr7-92731522-C-T.
Other names: c.3889G>A, p.Ala1297Thr (NM_001193307.2); short protein forms A1297T.
Identifiers: ClinVar variation 3949449 (VCV003949449.1).
Genomic context (GRCh38, chr7:93,102,209, plus strand): 5'-TGTTGTTTTGTGATTCTTCTAAGAGACAAAATATATCTACATATTTCTTAAAATATCCAG[C>T]CACCTTTCTCCGAGTTTTGGCCTCTTCATTTTGCTTAATATTGTTCCTGGGTTTTAGCAG-3'
Protein context (NP_060124.2, residues 1287-1307): NEEAKTRRKV[Ala1297Thr]GYFKKYVDIF

ClinVar aggregate classification (germline): Uncertain significance (1 of 4 stars; one submission).

Conditions:
Inborn genetic diseases. Identifiers: MedGen C0950123, MeSH D030342.

Submission:

Ambry Genetics
Classification: Uncertain significance for Inborn genetic diseases. Last evaluated: 2025-03-15. Review status: criteria provided, single submitter. Criteria: Ambry Variant Classification Scheme 2023. Collection method: clinical testing. Allele origin: germline.
Comment: The p.A1297T variant (also known as c.3889G>A), located in coding exon 1 of the SAMD9 gene, results from a G to A substitution at nucleotide position 3889. The alanine at codon 1297 is replaced by threonine, an amino acid with similar properties. This amino acid position is conserved. In addition, this alteration is predicted to be tolerated by in silico analysis. Based on the available evidence, the clinical significance of this variant remains unclear.